The following is an entry in ClinVar:

ClinVar aggregate classification (germline): Uncertain significance (1 of 4 stars; one submission).

Allele frequency attached by ClinVar (database versions not stated): gnomAD exomes below 0.00001; TOPMed below 0.00001; ExAC 0.00001; gnomAD 0.00001.
gnomAD v4.1: 3 of 1,613,944 alleles (0.00019%); highest among the groups gnomAD compares: Admixed American, 0.0033%; no homozygotes.

Submission:

Labcorp Genetics (formerly Invitae), Labcorp
Classification: Uncertain significance. Last evaluated: 2023-10-13. Review status: criteria provided, single submitter. Criteria: Invitae Variant Classification Sherloc (09022015). Collection method: clinical testing. Allele origin: germline.
Comment: This sequence change replaces alanine, which is neutral and non-polar, with valine, which is neutral and non-polar, at codon 1006 of the IARS2 protein (p.Ala1006Val). This variant is present in population databases (rs746730753, gnomAD 0.006%). This variant has not been reported in the literature in individuals affected with IARS2-related conditions. ClinVar contains an entry for this variant (Variation ID: 1924567). An algorithm developed to predict the effect of missense changes on protein structure and function (PolyPhen-2) suggests that this variant is likely to be tolerated. In summary, the available evidence is currently insufficient to determine the role of this variant in disease. Therefore, it has been classified as a Variant of Uncertain Significance.

NM_018060.4(IARS2):c.3017C>T (p.Ala1006Val)

Gene: IARS2 (isoleucyl-tRNA synthetase 2, mitochondrial; plus strand). Cytogenetic location: 1q41.
Variant type: single nucleotide variant.
Coding change: c.3017C>T on transcript NM_018060.4 (MANE Select); coding-DNA position 3017, C replaced by T.
Protein change: p.Ala1006Val; replaces alanine 1006 with valine.
Molecular consequence: missense variant.
Genome position (GRCh38, 1-based): chr1:220,147,613, C>T. VCF-style: chr1-220147613-C-T. GRCh37 (hg19) VCF-style: chr1-220320955-C-T.
Other names: short protein forms A1006V.
Identifiers: ClinVar variation 1924567 (VCV001924567.5), dbSNP rs746730753, ClinGen allele CA1401916.
Genomic context (GRCh38, chr1:220,147,613, plus strand): 5'-AATGCCCCCGTTGTTGGAAGTATACAGCGGAGTCTTCAGATACACTGTGTCCTCGATGTG[C>T]AGAAGTTGTCAGTGGAAAATAGTATTAACAGCTCACTCGAGCAAGAACCCTCCTGACAGT-3'
Protein context (NP_060530.3, residues 996-1012): ESSDTLCPRC[Ala1006Val]EVVSGK